The following is an entry in ClinVar:

ClinVar aggregate classification (germline): Pathogenic. Review status: criteria provided, multiple submitters, no conflicts (2 of 4 stars). 2 submissions from 2 submitters: Pathogenic (2). Last evaluated 2023-02-18.

Conditions:
Hereditary cancer-predisposing syndrome. Also called: Tumor predisposition; Neoplastic Syndromes, Hereditary; Hereditary Cancer Syndrome; Hereditary neoplastic syndrome. Identifiers: Orphanet 140162, MedGen C0027672, MeSH D009386, MONDO:0015356.

Submissions (2):

Ambry Genetics
Classification: Pathogenic for Hereditary cancer-predisposing syndrome. Last evaluated: 2023-02-18. Review status: criteria provided, single submitter. Criteria: Ambry Variant Classification Scheme 2023. Collection method: clinical testing. Allele origin: germline.
Comment: The c.2967dupT pathogenic mutation, located in coding exon 21 of the MSH3 gene, results from a duplication of T at nucleotide position 2967, causing a translational frameshift with a predicted alternate stop codon (p.A990Cfs*6). This variant is considered to be rare based on population cohorts in the Genome Aggregation Database (gnomAD). This alteration is expected to result in loss of function by premature protein truncation or nonsense-mediated mRNA decay. As such, this alteration is interpreted as a disease-causing mutation.

Labcorp Genetics (formerly Invitae), Labcorp
Classification: Pathogenic. Last evaluated: 2022-05-01. Review status: criteria provided, single submitter. Criteria: Invitae Variant Classification Sherloc (09022015). Collection method: clinical testing. Allele origin: germline.
Comment: For these reasons, this variant has been classified as Pathogenic. This variant has not been reported in the literature in individuals affected with MSH3-related conditions. This variant is not present in population databases (gnomAD no frequency). This sequence change creates a premature translational stop signal (p.Ala990Cysfs*6) in the MSH3 gene. It is expected to result in an absent or disrupted protein product. Loss-of-function variants in MSH3 are known to be pathogenic (PMID: 27476653).

Literature cited by the submitters: PubMed 27476653 (cited by Labcorp Genetics (formerly Invitae), Labcorp).

NM_002439.5(MSH3):c.2967dup (p.Ala990fs)

Gene: MSH3 (mutS homolog 3; plus strand). Cytogenetic location: 5q14.1.
Variant type: Duplication.
Coding change: c.2967dup on transcript NM_002439.5 (MANE Select); coding-DNA position 2967, one base duplicated (T; older notation c.2967dupT).
Protein change: p.Ala990fs; shifts the reading frame from alanine 990.
Molecular consequence: frameshift variant.
Genome position (GRCh38, 1-based): chr5:80,854,283, T duplicated; the last of 2 consecutive T bases (chr5:80,854,282-80,854,283); duplicating either gives the same sequence. VCF-style (leftmost placement, unchanged base first): chr5-80854281-A-AT. GRCh37 (hg19) VCF-style: chr5-80150100-A-AT.
Other names: c.2967dupT (NM_002439.3); short protein forms A990fs.
Identifiers: ClinVar variation 1454358 (VCV001454358.7), dbSNP rs2112106614, ClinGen allele CA2573139946.